The following is an entry in ClinVar:

ClinVar aggregate classification (germline): Uncertain significance. Review status: criteria provided, multiple submitters, no conflicts (2 of 4 stars). 2 submissions from 2 submitters: Uncertain significance (2). Last evaluated 2025-11-25.

Conditions:
Inborn genetic diseases. Identifiers: MedGen C0950123, MeSH D030342.
Developmental and epileptic encephalopathy. Identifiers: MedGen C5779964, MONDO:0100620.

Allele frequency attached by ClinVar (database versions not stated): TOPMed 0.00002; gnomAD exomes below 0.00001.

Submissions (2):

Ambry Genetics
Classification: Uncertain significance for Inborn genetic diseases. Last evaluated: 2025-11-25. Review status: criteria provided, single submitter. Criteria: Ambry Variant Classification Scheme 2023. Collection method: clinical testing. Allele origin: germline.

Labcorp Genetics (formerly Invitae), Labcorp
Classification: Uncertain significance for Early-infantile DEE. Last evaluated: 2021-08-31. Review status: criteria provided, single submitter. Criteria: Invitae Variant Classification Sherloc (09022015). Collection method: clinical testing. Allele origin: germline.
Comment: This sequence change replaces glycine with tryptophan at codon 181 of the CACNA2D2 protein (p.Gly181Trp). The glycine residue is moderately conserved and there is a large physicochemical difference between glycine and tryptophan. This variant is not present in population databases (ExAC no frequency). This variant has not been reported in the literature in individuals affected with CACNA2D2-related conditions. Algorithms developed to predict the effect of missense changes on protein structure and function are either unavailable or do not agree on the potential impact of this missense change (SIFT: "Deleterious"; PolyPhen-2: "Possibly Damaging"; Align-GVGD: "Class C0"). Algorithms developed to predict the effect of sequence changes on RNA splicing suggest that this variant may create or strengthen a splice site. In summary, the available evidence is currently insufficient to determine the role of this variant in disease. Therefore, it has been classified as a Variant of Uncertain Significance.

NM_006030.4(CACNA2D2):c.541G>T (p.Gly181Trp)

Gene: CACNA2D2 (calcium voltage-gated channel auxiliary subunit alpha2delta 2; minus strand). Cytogenetic location: 3p21.31.
Variant type: single nucleotide variant.
Coding change: c.541G>T on transcript NM_006030.4 (MANE Select); coding-DNA position 541, G replaced by T.
Protein change: p.Gly181Trp; replaces glycine 181 with tryptophan.
Molecular consequence: missense variant.
Genome position (GRCh38, 1-based): chr3:50,384,307, C>A on the plus strand (G>T on the coding strand, the complement: CACNA2D2 is on the minus strand). VCF-style: chr3-50384307-C-A. GRCh37 (hg19) VCF-style: chr3-50421738-C-A.
Other names: c.541G>T, p.Gly181Trp (NM_001005505.3, NM_001174051.3); c.334G>T, p.Gly112Trp (NM_001291101.1); c.541G>T (NM_001174051.1); short protein forms G112W, G181W.
Identifiers: ClinVar variation 1002460 (VCV001002460.6), dbSNP rs1233532790, ClinGen allele CA352944752.